The following is an entry in ClinVar:

NM_194277.3(FRMD7):c.*827T>A

Gene: FRMD7 (FERM domain containing 7; minus strand). Cytogenetic location: Xq26.2.
Variant type: single nucleotide variant.
Coding change: c.*827T>A on transcript NM_194277.3 (MANE Select); 827 bases downstream of the stop codon, T replaced by A.
Molecular consequence: 3 prime UTR variant.
Genome position (GRCh38, 1-based): chrX:132,077,045, A>T on the plus strand (T>A on the coding strand, the complement: FRMD7 is on the minus strand). VCF-style: chrX-132077045-A-T. GRCh37 (hg19) VCF-style: chrX-131211073-A-T.
Other names: c.*827T>A (NM_001306193.2).
Identifiers: ClinVar variation 914868 (VCV000914868.4), dbSNP rs184089624, ClinGen allele CA335857415.

ClinVar aggregate classification (germline): Likely benign (1 of 4 stars; one submission).

Conditions:
Nystagmus 1, congenital, X-linked. Also called: NYSTAGMUS 1, INFANTILE, X-LINKED; NYSTAGMUS, CONGENITAL MOTOR, 1; FRMD7-Related Infantile Nystagmus; NYSTAGMUS, INFANTILE PERIODIC ALTERNATING, X-LINKED; NYSTAGMUS, INFANTILE IDIOPATHIC. Identifiers: MedGen C1839580, MONDO:0010693, OMIM 310700.

Allele frequency attached by ClinVar (database versions not stated): 1000 Genomes Project 30x 0.00229; 1000 Genomes Project 0.00238; TOPMed 0.00290.
gnomAD v4.1: 312 of 112,215 alleles (0.28%); highest among the groups gnomAD compares: African/African-American, 0.95%; no homozygotes.

Submission:

Illumina Laboratory Services, Illumina
Classification: Likely benign for Nystagmus 1, congenital, X-linked. Last evaluated: 2018-01-13. Review status: criteria provided, single submitter. Criteria: ICSL Variant Classification Criteria 13 December 2019. Collection method: clinical testing. Allele origin: germline.
Comment: This variant was observed in the ICSL laboratory as part of a predisposition screen in an ostensibly healthy population. It had not been previously curated by ICSL or reported in the Human Gene Mutation Database (HGMD: prior to June 1st, 2018), and was therefore a candidate for classification through an automated scoring system. Utilizing variant allele frequency, disease prevalence and penetrance estimates, and inheritance mode, an automated score was calculated to assess if this variant is too frequent to cause the disease. Based on the score and internal cut-off values, a variant classified as likely benign is not then subjected to further curation. The score for this variant resulted in a classification of likely benign for this disease.